The following is an entry in ClinVar:

ClinVar aggregate classification (germline): Uncertain significance (1 of 4 stars; one submission).

Conditions:
Progressive microcephaly-seizures-cortical blindness-developmental delay syndrome. Also called: Seizures, cortical blindness, and microcephaly syndrome. Identifiers: Orphanet 477814, MedGen C5567650, MONDO:0014714, OMIM 616632.
Autosomal dominant nonsyndromic hearing loss 1. Also called: KONIGSMARK SYNDROME; DEAFNESS, AUTOSOMAL DOMINANT 1, WITH OR WITHOUT THROMBOCYTOPENIA. Identifiers: Orphanet 90635, MedGen C1852282, MONDO:0007424, OMIM 124900.

Allele frequency attached by ClinVar (database versions not stated): gnomAD exomes below 0.00001.
gnomAD v4.1: 2 of 1,614,034 alleles (0.00012%); highest among the groups gnomAD compares: East Asian, 0.0022%; no homozygotes.

Submission:

Labcorp Genetics (formerly Invitae), Labcorp
Classification: Uncertain significance for Progressive microcephaly-seizures-cortical blindness-developmental delay syndrome; Autosomal dominant nonsyndromic hearing loss 1. Last evaluated: 2023-05-27. Review status: criteria provided, single submitter. Criteria: Invitae Variant Classification Sherloc (09022015). Collection method: clinical testing. Allele origin: germline.
Comment: In summary, the available evidence is currently insufficient to determine the role of this variant in disease. Therefore, it has been classified as a Variant of Uncertain Significance. Algorithms developed to predict the effect of sequence changes on RNA splicing suggest that this variant may create or strengthen a splice site. This variant has not been reported in the literature in individuals affected with DIAPH1-related conditions. This variant is present in population databases (no rsID available, gnomAD 0.006%). This sequence change affects codon 1113 of the DIAPH1 mRNA. It is a 'silent' change, meaning that it does not change the encoded amino acid sequence of the DIAPH1 protein.

NM_005219.5(DIAPH1):c.3339C>T (p.Thr1113=)

Gene: DIAPH1 (diaphanous related formin 1; minus strand). Cytogenetic location: 5q31.3.
Variant type: single nucleotide variant.
Coding change: c.3339C>T on transcript NM_005219.5 (MANE Select); coding-DNA position 3339, C replaced by T.
Protein change: p.Thr1113=; no amino-acid change (threonine 1113 retained).
Molecular consequence: synonymous variant.
Genome position (GRCh38, 1-based): chr5:141,526,396, G>A on the plus strand (C>T on the coding strand, the complement: DIAPH1 is on the minus strand). VCF-style: chr5-141526396-G-A. GRCh37 (hg19) VCF-style: chr5-140905963-G-A.
Other names: c.3312C>T, p.Thr1104= (NM_001079812.3); c.3339C>T, p.Thr1113= (NM_001314007.2).
Identifiers: ClinVar variation 2937544 (VCV002937544.3), dbSNP rs1373595838, ClinGen allele CA447043544.